The following is an entry in ClinVar:

ClinVar aggregate classification (germline): Pathogenic (1 of 4 stars; one submission).

Conditions:
Neuromuscular disease caused by qualitative or quantitative defects of dysferlin. Also called: Qualitative or quantitative defects of dysferlin; Dysferlinopathy. Identifiers: Orphanet 207073, MedGen C2931687, MONDO:0016145.

Submission:

Labcorp Genetics (formerly Invitae), Labcorp
Classification: Pathogenic for Neuromuscular disease caused by qualitative or quantitative defects of dysferlin. Last evaluated: 2023-02-27. Review status: criteria provided, single submitter. Criteria: Invitae Variant Classification Sherloc (09022015). Collection method: clinical testing. Allele origin: germline.
Comment: This sequence change creates a premature translational stop signal (p.Ser1479Argfs*7) in the DYSF gene. It is expected to result in an absent or disrupted protein product. Loss-of-function variants in DYSF are known to be pathogenic (PMID: 17698709, 20301480). For these reasons, this variant has been classified as Pathogenic. ClinVar contains an entry for this variant (Variation ID: 1452503). This variant has not been reported in the literature in individuals affected with DYSF-related conditions. This variant is not present in population databases (gnomAD no frequency).

Literature cited by the submitters: PubMed 17698709; PubMed 20301480.

NM_001130987.2(DYSF):c.4554del (p.Ser1518fs)

Gene: DYSF (dysferlin; plus strand). Cytogenetic location: 2p13.2.
Variant type: Deletion.
Coding change: c.4554del on transcript NM_001130987.2 (MANE Select); coding-DNA position 4554, one base deleted (C; older notation c.4554delC).
Protein change: p.Ser1518fs; shifts the reading frame from serine 1518.
Molecular consequence: frameshift variant.
Genome position (GRCh38, 1-based): chr2:71,643,991, C deleted. VCF-style (leftmost placement, unchanged base first): chr2-71643990-GC-G. GRCh37 (hg19) VCF-style: chr2-71871120-GC-G.
Other names: c.4440del, p.Ser1480fs (NM_001130455.2); c.4395del, p.Ser1465fs (NM_001130976.2); c.4458del, p.Ser1486fs (NM_001130977.2); c.4500del, p.Ser1500fs (NM_001130978.2); c.4530del, p.Ser1510fs (NM_001130979.2); c.4488del, p.Ser1496fs (NM_001130980.2); c.4551del, p.Ser1517fs (NM_001130981.2); c.4533del, p.Ser1511fs (NM_001130982.2); and 5 more; short protein forms S1479fs, S1487fs, S1500fs, S1466fs, S1501fs, S1517fs, S1465fs, S1480fs.
Identifiers: ClinVar variation 1452503 (VCV001452503.6), dbSNP rs2152924667, ClinGen allele CA2573135996.
Genomic context (GRCh38, chr2:71,643,990, plus strand): 5'-TTTCTGAAATGGTCTCTTTCTTTCTACCCACTCAGGAGGAAGAGTTCATCGATTGGTGGA[GC>G]AAATTCTTTGCCTCCATAGGGGAGAGGGAAAAGTGCGGCTCCTACCTGGAGAAGGATTTT-3'